The following is an entry in ClinVar:

ClinVar aggregate classification (germline): Pathogenic. Review status: criteria provided, multiple submitters, no conflicts (2 of 4 stars). 2 submissions from 2 submitters: Pathogenic (2). Last evaluated 2023-07-25.

Conditions:
Autosomal recessive nonsyndromic hearing loss 76. Also called: Deafness, autosomal recessive 76. Identifiers: Orphanet 90636, MedGen C3147083, MONDO:0014237, OMIM 615540.

gnomAD v4.1: 4 of 1,587,586 alleles (0.00025%); highest among the groups gnomAD compares: Admixed American, 0.0072%; no homozygotes.

Submissions (2):

Labcorp Genetics (formerly Invitae), Labcorp
Classification: Pathogenic. Last evaluated: 2023-07-25. Review status: criteria provided, single submitter. Criteria: Invitae Variant Classification Sherloc (09022015). Collection method: clinical testing. Allele origin: germline.
Comment: This sequence change creates a premature translational stop signal (p.Cys112*) in the SYNE4 gene. It is expected to result in an absent or disrupted protein product. Loss-of-function variants in SYNE4 are known to be pathogenic (PMID: 23348741, 28958982). The frequency data for this variant in the population databases is considered unreliable, as metrics indicate poor data quality at this position in the gnomAD database. This premature translational stop signal has been observed in individual(s) with deafness (PMID: 36633841). ClinVar contains an entry for this variant (Variation ID: 2445666). For these reasons, this variant has been classified as Pathogenic.

King Laboratory, University of Washington
Classification: Pathogenic for Autosomal recessive nonsyndromic hearing loss 76. Last evaluated: 2023-02-28. Review status: criteria provided, single submitter. Criteria: Li et al. (Genet Med. 2022). Collection method: research. Allele origin: unknown. Affected: yes.
Comment: This is a nonsense that introduces an early stop at position 112 of 404 in the SYNE4 protein. As of January 2023, this variant has not been reported to ClinVar and is found in 3 heterozygotes on gnomAD. Based on the prediction that this variant leads to a truncated protein, homozygosity, and goodness of fit of genotype to phenotype, we conclude that this variant is pathogenic.

Literature cited by the submitters: PubMed 23348741 (cited by Labcorp Genetics (formerly Invitae), Labcorp); PubMed 28958982 (cited by Labcorp Genetics (formerly Invitae), Labcorp); PubMed 36633841 (cited by Labcorp Genetics (formerly Invitae), Labcorp and King Laboratory, University of Washington).

NM_001039876.3(SYNE4):c.336C>A (p.Cys112Ter)

Gene: SYNE4 (spectrin repeat containing nuclear envelope family member 4; minus strand). Cytogenetic location: 19q13.12.
Variant type: single nucleotide variant.
Coding change: c.336C>A on transcript NM_001039876.3 (MANE Select); coding-DNA position 336, C replaced by A.
Protein change: p.Cys112Ter; replaces cysteine 112 with a stop codon.
Molecular consequence: nonsense. On other transcripts: intron variant (1).
Genome position (GRCh38, 1-based): chr19:36,007,212, G>T on the plus strand (C>A on the coding strand, the complement: SYNE4 is on the minus strand). VCF-style: chr19-36007212-G-T. GRCh37 (hg19) VCF-style: chr19-36498114-G-T.
Other names: c.280-541C>A (NM_001297735.3); short protein forms C112*.
Identifiers: ClinVar variation 2445666 (VCV002445666.4), dbSNP rs368669131, ClinGen allele CA405434255.